The following is an entry in ClinVar:

NM_024649.5(BBS1):c.1594C>T (p.Arg532Trp)

Genes: BBS1 (Bardet-Biedl syndrome 1; plus strand), ZDHHC24 (zDHHC palmitoyltransferase 24; minus strand). Cytogenetic location: 11q13.2.
Variant type: single nucleotide variant.
Coding change: c.1594C>T on transcript NM_024649.5 (MANE Select); coding-DNA position 1594, C replaced by T.
Protein change: p.Arg532Trp; replaces arginine 532 with tryptophan.
Molecular consequence: missense variant. On other transcripts: intron variant (1).
Genome position (GRCh38, 1-based): chr11:66,531,014, C>T. VCF-style: chr11-66531014-C-T. GRCh37 (hg19) VCF-style: chr11-66298485-C-T.
Other names: c.560-1526G>A (NM_001348571.2); short protein forms R532W.
Identifiers: ClinVar variation 393063 (VCV000393063.20), dbSNP rs770105141, ClinGen allele CA6123821.
Genomic context (GRCh38, chr11:66,531,014, plus strand): 5'-CGTCCTGTCCTGGGGCTGCTGGTCTGCTTCCTGTACAACGAGGCGCTCTATTCCCTGCCC[C>T]GGGCCTTCTTCAAGGTACTGGATGCTCCTCACTTAGATATGGAGTGGGAAAGGCCAGGGC-3'
Protein context (NP_078925.3, residues 522-542): LYNEALYSLP[Arg532Trp]AFFKVPLLVP

ClinVar aggregate classification (germline): Uncertain significance. Review status: criteria provided, multiple submitters, no conflicts (2 of 4 stars). 8 submissions from 8 submitters: Uncertain significance (6). 2 of the submissions do not count toward it. Last evaluated 2025-06-11.

Conditions:
Inborn genetic diseases. Identifiers: MedGen C0950123, MeSH D030342.
BBS1-related disorder. Also called: BBS1-related condition.
Bardet-Biedl syndrome 1 (BBS1). Identifiers: MedGen C2936862, MONDO:0008854, OMIM 209900. Disease mechanism: loss of function.
Bardet-Biedl syndrome (BBS). Identifiers: Orphanet 110, MedGen C0752166, MONDO:0015229.

Allele frequency attached by ClinVar (database versions not stated): gnomAD exomes 0.00004; gnomAD 0.00006; TOPMed 0.00005; ExAC 0.00005.
gnomAD v4.1: 94 of 1,614,110 alleles (0.0058%); highest among the groups gnomAD compares: Admixed American, 0.0083%; no homozygotes.

Submissions (8):

GeneDx
Classification: Uncertain significance. Last evaluated: 2025-06-11. Review status: criteria provided, single submitter. Criteria: GeneDx Variant Classification Process June 2021. Collection method: clinical testing. Allele origin: germline. Affected: yes.
Comment: In silico analysis supports that this missense variant has a deleterious effect on protein structure/function; Has not been previously published as pathogenic or benign to our knowledge

Ambry Genetics
Classification: Uncertain significance for Inborn genetic diseases. Last evaluated: 2025-04-17. Review status: criteria provided, single submitter. Criteria: Ambry Variant Classification Scheme 2023. Collection method: clinical testing. Allele origin: germline.

Blueprint Genetics
Classification: Uncertain significance. Last evaluated: 2024-09-12. Review status: criteria provided, single submitter. Criteria: ACMG Guidelines, 2015. Collection method: clinical testing. Allele origin: germline.

Fulgent Genetics
Classification: Uncertain significance for Bardet-Biedl syndrome 1. Last evaluated: 2024-06-18. Review status: criteria provided, single submitter. Criteria: ACMG Guidelines, 2015. Collection method: clinical testing. Allele origin: germline.

Labcorp Genetics (formerly Invitae), Labcorp
Classification: Uncertain significance for Bardet-Biedl syndrome. Last evaluated: 2022-05-30. Review status: criteria provided, single submitter. Criteria: Invitae Variant Classification Sherloc (09022015). Collection method: clinical testing. Allele origin: germline.
Comment: This sequence change replaces arginine, which is basic and polar, with tryptophan, which is neutral and slightly polar, at codon 532 of the BBS1 protein (p.Arg532Trp). This variant is present in population databases (rs770105141, gnomAD 0.01%). This variant has not been reported in the literature in individuals affected with BBS1-related conditions. ClinVar contains an entry for this variant (Variation ID: 393063). Algorithms developed to predict the effect of missense changes on protein structure and function are either unavailable or do not agree on the potential impact of this missense change (SIFT: "Deleterious"; PolyPhen-2: "Possibly Damaging"; Align-GVGD: "Class C0"). In summary, the available evidence is currently insufficient to determine the role of this variant in disease. Therefore, it has been classified as a Variant of Uncertain Significance.

Mayo Clinic Laboratories, Mayo Clinic
Classification: Uncertain significance for Bardet-Biedl syndrome 1. Last evaluated: 2017-12-11. Review status: criteria provided, single submitter. Criteria: ACMG Guidelines, 2015. Collection method: clinical testing. Allele origin: maternal.

PreventionGenetics, part of Exact Sciences
Classification: Uncertain significance for BBS1-related condition. Last evaluated: 2024-01-15. Review status: no assertion criteria provided. Collection method: clinical testing. Allele origin: germline. Not counted in ClinVar's aggregate classification.
Comment: The BBS1 c.1594C>T variant is predicted to result in the amino acid substitution p.Arg532Trp. To our knowledge, this variant has not been reported in the literature. This variant is reported in 0.012% of alleles in individuals of African descent in gnomAD. At this time, the clinical significance of this variant is uncertain due to the absence of conclusive functional and genetic evidence.

Natera, Inc.
Classification: Uncertain significance for Bardet-Biedl syndrome type 1. Last evaluated: 2020-09-16. Review status: no assertion criteria provided. Collection method: clinical testing. Allele origin: germline. Not counted in ClinVar's aggregate classification.